The following is an entry in ClinVar:

ClinVar aggregate classification (germline): Uncertain significance (1 of 4 stars; one submission).

Conditions:
Hereditary cancer-predisposing syndrome. Also called: Tumor predisposition; Hereditary Cancer Syndrome; Hereditary neoplastic syndrome; Neoplastic Syndromes, Hereditary. Identifiers: Orphanet 140162, MedGen C0027672, MeSH D009386, MONDO:0015356.

gnomAD v4.1: 1 of 1,614,238 alleles (0.000062%); highest among the groups gnomAD compares: Non-Finnish European, 0.000085%; no homozygotes.

Submission:

Ambry Genetics
Classification: Uncertain significance for Hereditary cancer-predisposing syndrome. Last evaluated: 2024-06-13. Review status: criteria provided, single submitter. Criteria: Ambry Variant Classification Scheme 2023. Collection method: clinical testing. Allele origin: germline.
Comment: The p.R1607W variant (also known as c.4819A>T), located in coding exon 15 of the APC gene, results from an A to T substitution at nucleotide position 4819. The arginine at codon 1607 is replaced by tryptophan, an amino acid with dissimilar properties. This amino acid position is conserved. In addition, in silico predictors for this gene do not accurately predict pathogenicity. Based on the available evidence, the clinical significance of this variant remains unclear.

NM_000038.6(APC):c.4819A>T (p.Arg1607Trp)

Gene: APC (APC regulator of Wnt signaling pathway; plus strand). Cytogenetic location: 5q22.2.
Variant type: single nucleotide variant.
Coding change: c.4819A>T on transcript NM_000038.6 (MANE Select); coding-DNA position 4819, A replaced by T.
Protein change: p.Arg1607Trp; replaces arginine 1607 with tryptophan.
Molecular consequence: missense variant. On other transcripts: non-coding transcript variant (2).
Genome position (GRCh38, 1-based): chr5:112,840,413, A>T. VCF-style: chr5-112840413-A-T. GRCh37 (hg19) VCF-style: chr5-112176110-A-T.
Other names: c.4819A>T, p.Arg1607Trp (NM_001127510.3, NM_001354895.2, NM_001407450.1); c.4765A>T, p.Arg1589Trp (NM_001127511.3); c.4873A>T, p.Arg1625Trp (NM_001354896.2, NM_001407447.1, NM_001407448.1 and 1 more transcripts); c.4849A>T, p.Arg1617Trp (NM_001354897.2); c.4744A>T, p.Arg1582Trp (NM_001354898.2); c.4735A>T, p.Arg1579Trp (NM_001354899.2); c.4696A>T, p.Arg1566Trp (NM_001354900.2); c.4642A>T, p.Arg1548Trp (NM_001354901.2, NM_001407453.1); and 11 more; short protein forms R1478W, R1506W, R1524W, R1548W, R1582W, R1589W, R1223W, R1481W.
Identifiers: ClinVar variation 3305860 (VCV003305860.1).